The following is an entry in ClinVar:

ClinVar aggregate classification (germline): Pathogenic/Likely pathogenic. Review status: criteria provided, multiple submitters, no conflicts (2 of 4 stars). 5 submissions from 5 submitters: Pathogenic (2); Likely pathogenic (2). 1 of the submissions does not count toward it. Last evaluated 2025-05-20.

Conditions:
Niemann-Pick disease, type C (NPC). Identifiers: Orphanet 646, MedGen C0220756, MONDO:0018982.
Niemann-Pick disease, type C1. Also called: NIEMANN-PICK DISEASE, VARIANT TYPE C1; NEUROVISCERAL STORAGE DISEASE WITH VERTICAL SUPRANUCLEAR OPHTHALMOPLEGIA; NIEMANN-PICK DISEASE WITH CHOLESTEROL ESTERIFICATION BLOCK; NIEMANN-PICK DISEASE WITHOUT SPHINGOMYELINASE DEFICIENCY; NIEMANN-PICK DISEASE, CHRONIC NEURONOPATHIC FORM. Identifiers: Orphanet 646, MedGen C3179455, MONDO:0009757, OMIM 257220.

Allele frequency attached by ClinVar (database versions not stated): gnomAD exomes below 0.00001 and 0.00001.
gnomAD v4.1: 3 of 1,614,132 alleles (0.00019%); highest among the groups gnomAD compares: South Asian, 0.0011%; no homozygotes.

Submissions (5):

GeneDx
Classification: Likely pathogenic. Last evaluated: 2025-05-20. Review status: criteria provided, single submitter. Criteria: GeneDx Variant Classification Process June 2021. Collection method: clinical testing. Allele origin: germline.
Comment: Not observed at significant frequency in large population cohorts (gnomAD); In silico analysis supports that this missense variant has a deleterious effect on protein structure/function; This variant is associated with the following publications: (PMID: 11333381, 28472934, 32222928, 37433892, 20301473, 20718790, 38715125)

Natera, Inc.
Classification: Likely pathogenic for Niemann-Pick disease type C1. Last evaluated: 2025-01-27. Review status: criteria provided, single submitter. Criteria: Natera Variant Classification Schema (03/2026). Collection method: clinical testing. Allele origin: germline.
Comment: The c.3160G>A variant in NPC1 is a missense variant predicted to cause substitution of alanine to threonine at amino acid 1054. This variant is rare in the general population with a frequency below the threshold expected for the associated phenotype(s). This variant has been observed in one or more individuals affected with the associated recessive disease, as either homozygous or compound heterozygous with a second variant (PMID: 11333381, 20718790). This variant has been identified in one or more affected individuals with a phenotype highly consistent with the associated gene (PMID: 11333381, 20718790). Functional studies show that this variant may disrupt protein function (PMID: 11333381). Computational prediction algorithms indicate this variant is likely to affect gene or protein function. Given the available evidence, this variant is classified as Likely Pathogenic.

Labcorp Genetics (formerly Invitae), Labcorp
Classification: Pathogenic for Niemann-Pick disease, type C1. Last evaluated: 2024-10-11. Review status: criteria provided, single submitter. Criteria: Invitae Variant Classification Sherloc (09022015). Collection method: clinical testing. Allele origin: germline.
Comment: This sequence change replaces alanine, which is neutral and non-polar, with threonine, which is neutral and polar, at codon 1054 of the NPC1 protein (p.Ala1054Thr). This variant is present in population databases (rs80358258, gnomAD 0.01%). This missense change has been observed in individual(s) with Niemann-Pick type C disease (PMID: 11333381, 20718790). ClinVar contains an entry for this variant (Variation ID: 21138). Invitae Evidence Modeling of protein sequence and biophysical properties (such as structural, functional, and spatial information, amino acid conservation, physicochemical variation, residue mobility, and thermodynamic stability) indicates that this missense variant is expected to disrupt NPC1 protein function with a positive predictive value of 95%. For these reasons, this variant has been classified as Pathogenic.

Women's Health and Genetics/Laboratory Corporation of America, LabCorp
Classification: Pathogenic for Niemann-Pick disease, type C. Last evaluated: 2024-04-11. Review status: criteria provided, single submitter. Criteria: LabCorp Variant Classification Summary - May 2015. Collection method: clinical testing. Allele origin: germline.
Comment: Variant summary: NPC1 c.3160G>A (p.Ala1054Thr) results in a non-conservative amino acid change in the encoded protein sequence. Five of five in-silico tools predict a damaging effect of the variant on protein function. The variant allele was found at a frequency of 8e-06 in 251446 control chromosomes. c.3160G>A has been reported in the literature in at-least three individuals affected with Niemann-Pick Disease Type C (Havla_2020, Millat_2001, Stampfer_2013). These data indicate that the variant is likely to be associated with disease. At least one publication reports experimental evidence evaluating an impact on protein function. The most pronounced variant effect results in almost absence of NPC1 protein in skin cells from the patient carrying the homozygous variant (Millat_2001).The following publications have been ascertained in the context of this evaluation (PMID: 32222928, 11333381, 23433426). ClinVar contains an entry for this variant (Variation ID: 21138). Based on the evidence outlined above, the variant was classified as pathogenic.

GeneReviews
No classification provided. Condition: Niemann-Pick disease, type C1. Review status: no classification provided. Collection method: literature only. Allele origin: unknown. Not counted in ClinVar's aggregate classification.

Literature cited by the submitters: PubMed 11333381 (cited by 4 submitters); PubMed 20718790 (cited by Natera, Inc. and Labcorp Genetics (formerly Invitae), Labcorp); PubMed 23433426 (cited by Women's Health and Genetics/Laboratory Corporation of America, LabCorp); PubMed 32222928 (cited by Women's Health and Genetics/Laboratory Corporation of America, LabCorp); PubMed 20301473 (cited by GeneReviews); NCBI Bookshelf NBK1296 (cited by GeneReviews).

NM_000271.5(NPC1):c.3160G>A (p.Ala1054Thr)

Gene: NPC1 (NPC intracellular cholesterol transporter 1; minus strand). Cytogenetic location: 18q11.2.
Variant type: single nucleotide variant.
Coding change: c.3160G>A on transcript NM_000271.5 (MANE Select); coding-DNA position 3160, G replaced by A.
Protein change: p.Ala1054Thr; replaces alanine 1054 with threonine.
Molecular consequence: missense variant.
Genome position (GRCh38, 1-based): chr18:23,536,758, C>T on the plus strand (G>A on the coding strand, the complement: NPC1 is on the minus strand). VCF-style: chr18-23536758-C-T. GRCh37 (hg19) VCF-style: chr18-21116722-C-T.
Other names: c.3160G>A (NM_000271.4); short protein forms A1054T.
Identifiers: ClinVar variation 21138 (VCV000021138.14), dbSNP rs80358258, ClinGen allele CA341664.